The following is an entry in ClinVar:

ClinVar aggregate classification (germline): Uncertain significance. Review status: criteria provided, multiple submitters, no conflicts (2 of 4 stars). 2 submissions from 2 submitters: Uncertain significance (2). Last evaluated 2026-04-13.

Conditions:
Mitochondrial trifunctional protein deficiency. Identifiers: Orphanet 746, MedGen C1969443, MONDO:0012172.

Allele frequency attached by ClinVar (database versions not stated): ExAC 0.00002; TOPMed 0.00007; gnomAD 0.00009; gnomAD exomes 0.00013.
gnomAD v4.1: 196 of 1,586,978 alleles (0.012%); highest among the groups gnomAD compares: Non-Finnish European, 0.016%; no homozygotes.

Submissions (3):

GeneDx
Classification: Uncertain significance. Last evaluated: 2026-04-13. Review status: criteria provided, single submitter. Criteria: GeneDx Variant Classification Process June 2021. Collection method: clinical testing. Allele origin: germline.
Comment: Not observed at significant frequency in large population cohorts (gnomAD); In silico analysis supports a deleterious effect on splicing; Has not been previously published as pathogenic or benign to our knowledge

Labcorp Genetics (formerly Invitae), Labcorp
Classification: Uncertain significance for Mitochondrial trifunctional protein deficiency. Last evaluated: 2024-01-19. Review status: criteria provided, single submitter. Criteria: Invitae Variant Classification Sherloc (09022015). Collection method: clinical testing. Allele origin: germline.
Comment: This sequence change falls in intron 4 of the HADHB gene. It does not directly change the encoded amino acid sequence of the HADHB protein. This variant is present in population databases (rs780190881, gnomAD 0.009%). This variant has not been reported in the literature in individuals affected with HADHB-related conditions. ClinVar contains an entry for this variant (Variation ID: 2170663). Algorithms developed to predict the effect of sequence changes on RNA splicing suggest that this variant may disrupt the consensus splice site. In summary, the available evidence is currently insufficient to determine the role of this variant in disease. Therefore, it has been classified as a Variant of Uncertain Significance.

Dr. Peter K. Rogan Lab, Western University
No classification provided (evidence only). Condition: Sarcoma. Review status: no classification provided. Collection method: in vitro. Allele origin: not applicable. Functional consequence: retained intron. Not counted in ClinVar's aggregate classification.

NM_000183.3(HADHB):c.210-17T>A

Gene: HADHB (hydroxyacyl-CoA dehydrogenase trifunctional multienzyme complex subunit beta; plus strand). Cytogenetic location: 2p23.3.
Variant type: single nucleotide variant.
Coding change: c.210-17T>A on transcript NM_000183.3 (MANE Select); 17 bases into the intron before coding-DNA position 210, T replaced by A.
Molecular consequence: intron variant.
Genome position (GRCh38, 1-based): chr2:26,269,936, T>A. VCF-style: chr2-26269936-T-A. GRCh37 (hg19) VCF-style: chr2-26492804-T-A.
Other names: c.144-17T>A (NM_001281513.2); c.210-3715T>A (NM_001281512.2).
Identifiers: ClinVar variation 2170663 (VCV002170663.4), dbSNP rs780190881, ClinGen allele CA1560130.